The following is an entry in ClinVar:

ClinVar aggregate classification (germline): Uncertain significance. Review status: criteria provided, multiple submitters, no conflicts (2 of 4 stars). 3 submissions from 3 submitters: Uncertain significance (3). Last evaluated 2026-07-13.

Conditions:
Cardiovascular phenotype. Identifiers: MedGen CN230736.
Familial hypercholesterolemia. Also called: Familial hypercholesterolemias; Familial hypercholesterolaemia. Identifiers: MedGen C0020445, MONDO:0005439.
Familial hypobetalipoproteinemia 1. Also called: APOB-Related Familial Hypobetalipoproteinemia; Hypobetalipoproteinemia, normotriglyceridemic; Acanthocytosis with hypobetalipoproteinemia. Identifiers: MedGen C4551990, MONDO:0014252, OMIM 615558.
Hypercholesterolemia, autosomal dominant, type B (FHCL2). Also called: Familial Hypercholesterolemia Type B; APOLIPOPROTEIN B-100, FAMILIAL DEFECTIVE; APOLIPOPROTEIN B-100, FAMILIAL LIGAND-DEFECTIVE; APOB-Related Familial Hypercholesterolemia, Autosomal Dominant; HYPERCHOLESTEROLEMIA, FAMILIAL, DUE TO LIGAND-DEFECTIVE APOLIPOPROTEIN B; Familial hypercholesterolemia 2. Identifiers: MedGen C1704417, MONDO:0007751, OMIM 144010.

Allele frequency attached by ClinVar (database versions not stated): gnomAD exomes below 0.00001 and 0.00001.
gnomAD v4.1: 15 of 1,614,006 alleles (0.00093%); highest among the groups gnomAD compares: Non-Finnish European, 0.0013%; no homozygotes.

Submissions (3):

Cambridge Genomics Laboratory, East Genomic Laboratory Hub, NHS Genomic Medicine Service
Classification: Uncertain significance for Familial hypercholesterolaemia. Last evaluated: 2026-07-13. Review status: criteria provided, single submitter. Criteria: ACGS Best Practice Guidelines for Variant Classification in Rare Disease 2020. Collection method: clinical testing. Allele origin: germline. Affected: yes.
Comment: PM2_Supporting

Ambry Genetics
Classification: Uncertain significance for Cardiovascular phenotype. Last evaluated: 2025-08-06. Review status: criteria provided, single submitter. Criteria: Ambry Variant Classification Scheme 2023. Collection method: clinical testing. Allele origin: germline.
Comment: The p.F3263S variant (also known as c.9788T>C), located in coding exon 26 of the APOB gene, results from a T to C substitution at nucleotide position 9788. The phenylalanine at codon 3263 is replaced by serine, an amino acid with highly dissimilar properties. This amino acid position is conserved. In addition, this alteration is predicted to be tolerated by in silico analysis. Based on the available evidence, the clinical significance of this variant remains unclear.

Labcorp Genetics (formerly Invitae), Labcorp
Classification: Uncertain significance for Familial hypobetalipoproteinemia 1; Hypercholesterolemia, autosomal dominant, type B. Last evaluated: 2022-08-09. Review status: criteria provided, single submitter. Criteria: Invitae Variant Classification Sherloc (09022015). Collection method: clinical testing. Allele origin: germline.
Comment: In summary, the available evidence is currently insufficient to determine the role of this variant in disease. Therefore, it has been classified as a Variant of Uncertain Significance. Algorithms developed to predict the effect of missense changes on protein structure and function output the following: SIFT: "Deleterious"; PolyPhen-2: "Benign"; Align-GVGD: "Class C0". The serine amino acid residue is found in multiple mammalian species, which suggests that this missense change does not adversely affect protein function. ClinVar contains an entry for this variant (Variation ID: 662936). This sequence change replaces phenylalanine, which is neutral and non-polar, with serine, which is neutral and polar, at codon 3263 of the APOB protein (p.Phe3263Ser). This variant is present in population databases (no rsID available, gnomAD 0.0009%). This variant has not been reported in the literature in individuals affected with APOB-related conditions.

NM_000384.3(APOB):c.9788T>C (p.Phe3263Ser)

Gene: APOB (apolipoprotein B; minus strand). Cytogenetic location: 2p24.1.
Variant type: single nucleotide variant.
Coding change: c.9788T>C on transcript NM_000384.3 (MANE Select); coding-DNA position 9788, T replaced by C.
Protein change: p.Phe3263Ser; replaces phenylalanine 3263 with serine.
Molecular consequence: missense variant.
Genome position (GRCh38, 1-based): chr2:21,007,080, A>G on the plus strand (T>C on the coding strand, the complement: APOB is on the minus strand). VCF-style: chr2-21007080-A-G. GRCh37 (hg19) VCF-style: chr2-21229952-A-G.
Other names: short protein forms F3263S.
Identifiers: ClinVar variation 662936 (VCV000662936.13), dbSNP rs1479305333, ClinGen allele CA345988821.
Genomic context (GRCh38, chr2:21,007,080, plus strand): 5'-AAACTAGGCATGCTGACTGCTTTTGGGAACACATAGCCGAATGCCGACATCTCTATGGTG[A>G]ATGGAGACACTTCAACATTGACAACTGGAACAGTGTATCCAGGAATTTGAAAGGTCCTGG-3'
Protein context (NP_000375.3, residues 3253-3273): VPVVNVEVSP[Phe3263Ser]TIEMSAFGYV